The following is an entry in ClinVar:

NM_006939.4(SOS2):c.1197-4C>T

Gene: SOS2 (SOS Ras/Rho guanine nucleotide exchange factor 2; minus strand). Cytogenetic location: 14q21.3.
Variant type: single nucleotide variant.
Coding change: c.1197-4C>T on transcript NM_006939.4 (MANE Select); 4 bases into the intron before coding-DNA position 1197, C replaced by T.
Molecular consequence: intron variant.
Genome position (GRCh38, 1-based): chr14:50,160,090, G>A on the plus strand (C>T on the coding strand, the complement: SOS2 is on the minus strand). VCF-style: chr14-50160090-G-A. GRCh37 (hg19) VCF-style: chr14-50626808-G-A.
Other names: c.1098-4C>T (NM_001411020.1).
Identifiers: ClinVar variation 4887142 (VCV004887142.1).

ClinVar aggregate classification (germline): Likely benign (1 of 4 stars; one submission).

Submission:

Women's Health and Genetics/Laboratory Corporation of America, LabCorp
Classification: Likely benign. Last evaluated: 2026-06-18. Review status: criteria provided, single submitter. Criteria: LabCorp Variant Classification Summary - May 2015. Collection method: clinical testing. Allele origin: germline.
Comment: Variant summary: SOS2 c.1197-4C>T alters a nucleotide located at a position not widely known to affect splicing. Consensus agreement among computation tools predict no significant impact on normal splicing. However, these predictions have yet to be confirmed by functional studies. The variant allele was found at a frequency of 4.2e-06 in 240346 control chromosomes. The available data on variant occurrences in the general population are insufficient to allow any conclusion about variant significance. To our knowledge, no occurrence of c.1197-4C>T in individuals affected with SOS2-related conditions and no experimental evidence demonstrating its impact on protein function have been reported. No submitters have cited clinical-significance assessments for this variant to ClinVar. Based on the evidence outlined above, the variant was classified as likely benign.